The following is an entry in ClinVar:

NM_145290.4(ADGRA3):c.330-10_330-5del

Gene: ADGRA3 (adhesion G protein-coupled receptor A3; minus strand). Cytogenetic location: 4p15.2.
Variant type: Deletion.
Coding change: c.330-10_330-5del on transcript NM_145290.4 (MANE Select); 10 bases into the intron before coding-DNA position 330 through 5 bases into the intron before coding-DNA position 330, 6 bases deleted (TTTTTA; older notation c.330-10_330-5delTTTTTA).
Molecular consequence: intron variant.
Genome position (GRCh38, 1-based): chr4:22,461,813-22,461,818, TAAAAA deleted on the plus strand (TTTTTA on the coding strand, the reverse complement: ADGRA3 is on the minus strand); deleting any 6 consecutive bases within chr4:22,461,813-22,461,823 gives the same sequence; the c. name uses the placement nearest the transcript's 3' end. VCF-style (leftmost placement, unchanged base first): chr4-22461812-TTAAAAA-T. GRCh37 (hg19) VCF-style: chr4-22463435-TTAAAAA-T.
Identifiers: ClinVar variation 1941544 (VCV001941544.5), dbSNP rs751223102, ClinGen allele CA2874299.

ClinVar aggregate classification (germline): Uncertain significance (1 of 4 stars; one submission).

Submission:

Labcorp Genetics (formerly Invitae), Labcorp
Classification: Uncertain significance. Last evaluated: 2022-04-24. Review status: criteria provided, single submitter. Criteria: Invitae Variant Classification Sherloc (09022015). Collection method: clinical testing. Allele origin: germline.
Comment: In summary, the available evidence is currently insufficient to determine the role of this variant in disease. Therefore, it has been classified as a Variant of Uncertain Significance. Algorithms developed to predict the effect of sequence changes on RNA splicing suggest that this variant may disrupt the consensus splice site. This variant has not been reported in the literature in individuals affected with ADGRA3-related conditions. This variant is present in population databases (rs751223102, gnomAD 0.01%). This sequence change falls in intron 2 of the ADGRA3 gene. It does not directly change the encoded amino acid sequence of the ADGRA3 protein.